The following is an entry in ClinVar:

ClinVar aggregate classification (germline): Uncertain significance (0 of 4 stars; one submission).

Conditions:
ALMS1-related disorder. Also called: ALMS1-related condition.

Submission:

PreventionGenetics, part of Exact Sciences
Classification: Uncertain significance for ALMS1-related condition. Last evaluated: 2024-08-02. Review status: no assertion criteria provided. Collection method: clinical testing. Allele origin: germline.
Comment: The ALMS1 c.11413A>G variant is predicted to result in the amino acid substitution p.Ile3805Val. To our knowledge, this variant has not been reported in the literature or in a large population database, indicating this variant is rare. At this time, the clinical significance of this variant is uncertain due to the absence of conclusive functional and genetic evidence.

NM_001378454.1(ALMS1):c.11410A>G (p.Arg3804Gly)

Gene: ALMS1 (ALMS1 centrosome and basal body associated protein; plus strand). Cytogenetic location: 2p13.1.
Variant type: single nucleotide variant.
Coding change: c.11410A>G on transcript NM_001378454.1 (MANE Select); coding-DNA position 11410, A replaced by G.
Protein change: p.Arg3804Gly; replaces arginine 3804 with glycine.
Molecular consequence: missense variant.
Genome position (GRCh38, 1-based): chr2:73,573,287, A>G. VCF-style: chr2-73573287-A-G. GRCh37 (hg19) VCF-style: chr2-73800414-A-G.
Other names: c.11413A>G, p.Arg3805Gly (NM_015120.4); short protein forms R3804G, R3805G.
Identifiers: ClinVar variation 3345733 (VCV003345733.1).